The following is an entry in ClinVar:

ClinVar aggregate classification (germline): Pathogenic (1 of 4 stars; one submission).

Submission:

GeneDx
Classification: Pathogenic. Last evaluated: 2015-08-26. Review status: criteria provided, single submitter. Criteria: GeneDx Variant Classification (06012015). Collection method: clinical testing. Allele origin: germline. Affected: yes.
Comment: The c.791delT deletion in the CTNNB1 gene has not been reported previously as a pathogenic variant nor as a benign polymorphism, to our knowledge. The c.791delT variant causes a frameshift starting with codon Leucine 264, changes this amino acid to a Tyrosine residue, and creates a premature Stop codon at position 12 of the new reading frame, denoted p.Leu264TyrfsX12. This deletion is predicted to cause loss of normal protein function either through protein truncation or nonsense-mediated mRNA decay. The c.791delT variant was not observed in approximately 6500 individuals of European and African American ancestry in the NHLBI Exome Sequencing Project, indicating it is not a common benign variant in these populations. We interpret c.791delT as a pathogenic variant.

NM_001904.4(CTNNB1):c.791del (p.Leu264fs)

Gene: CTNNB1 (catenin beta 1; plus strand). Cytogenetic location: 3p22.1.
Variant type: Deletion.
Coding change: c.791del on transcript NM_001904.4 (MANE Select); coding-DNA position 791, one base deleted (T; older notation c.791delT).
Protein change: p.Leu264fs; shifts the reading frame from leucine 264.
Molecular consequence: frameshift variant.
Genome position (GRCh38, 1-based): chr3:41,225,716, T deleted; the last of 2 consecutive T bases (chr3:41,225,715-41,225,716); deleting either gives the same sequence. VCF-style (leftmost placement, unchanged base first): chr3-41225714-AT-A. GRCh37 (hg19) VCF-style: chr3-41267205-AT-A.
Other names: c.791del, p.Leu264fs (NM_001098209.2, NM_001098210.2); c.770del, p.Leu257fs (NM_001330729.2); short protein forms L257fs, L264fs.
Identifiers: ClinVar variation 419552 (VCV000419552.2), dbSNP rs1064793948, ClinGen allele CA16617964.